The following is an entry in ClinVar:

ClinVar aggregate classification (germline): Likely benign (1 of 4 stars; one submission).

Conditions:
MRAP2-related disorder. Also called: MRAP2-related condition.

gnomAD v4.1: 14 of 1,614,174 alleles (0.00087%); highest among the groups gnomAD compares: Non-Finnish European, 0.0012%; no homozygotes.

Submission:

PreventionGenetics, part of Exact Sciences
Classification: Likely benign for MRAP2-related condition. Last evaluated: 2025-06-30. Review status: criteria provided, single submitter. Criteria: ACMG Guidelines, 2015. Collection method: clinical testing. Allele origin: germline.
Comment: This variant is classified as likely benign based on ACMG/AMP sequence variant interpretation guidelines (Richards et al. 2015 PMID: 25741868, with internal and published modifications).

NM_138409.4(MRAP2):c.489G>A (p.Lys163=)

Gene: MRAP2 (melanocortin 2 receptor accessory protein 2; plus strand). Cytogenetic location: 6q14.2.
Variant type: single nucleotide variant.
Coding change: c.489G>A on transcript NM_138409.4 (MANE Select); coding-DNA position 489, G replaced by A.
Protein change: p.Lys163=; no amino-acid change (lysine 163 retained).
Molecular consequence: synonymous variant.
Genome position (GRCh38, 1-based): chr6:84,089,352, G>A. VCF-style: chr6-84089352-G-A. GRCh37 (hg19) VCF-style: chr6-84799071-G-A.
Other names: c.231G>A, p.Lys77= (NM_001346541.2); c.489G>A, p.Lys163= (NM_001346542.2, NM_001346544.2); c.324G>A, p.Lys108= (NM_001346543.2).
Identifiers: ClinVar variation 4989685 (VCV004989685.1).
Genomic context (GRCh38, chr6:84,089,352, plus strand): 5'-ACTCCAGGAAGCCATCAGAAGCAGTGGGCAGCCAGAGGAGGAGCTGAACAGGCTCATGAA[G>A]TTTGACATCCCCAACTTTGTGAACACAGACCAGAACTACTTTGGGGAGGATGATCTTCTG-3'
Protein context (NP_612418.2, residues 153-173): QPEEELNRLM[Lys163=]FDIPNFVNTD